The following is an entry in ClinVar:

ClinVar aggregate classification (germline): Uncertain significance. Review status: criteria provided, multiple submitters, no conflicts (2 of 4 stars). 2 submissions from 2 submitters: Uncertain significance (2). Last evaluated 2024-12-16.

Allele frequency attached by ClinVar (database versions not stated): gnomAD 0.00002; TOPMed 0.00002; ExAC 0.00003.
gnomAD v4.1: 44 of 1,613,646 alleles (0.0027%); highest among the groups gnomAD compares: African/African-American, 0.004%; no homozygotes.

Submissions (2):

Labcorp Genetics (formerly Invitae), Labcorp
Classification: Uncertain significance. Last evaluated: 2024-12-16. Review status: criteria provided, single submitter. Criteria: Invitae Variant Classification Sherloc (09022015). Collection method: clinical testing. Allele origin: germline.
Comment: This sequence change replaces arginine, which is basic and polar, with tryptophan, which is neutral and slightly polar, at codon 73 of the GLYCTK protein (p.Arg73Trp). This variant is present in population databases (rs779301460, gnomAD 0.008%). This variant has not been reported in the literature in individuals affected with GLYCTK-related conditions. ClinVar contains an entry for this variant (Variation ID: 1924189). An algorithm developed to predict the effect of missense changes on protein structure and function (PolyPhen-2) suggests that this variant is likely to be tolerated. In summary, the available evidence is currently insufficient to determine the role of this variant in disease. Therefore, it has been classified as a Variant of Uncertain Significance.

Ambry Genetics
Classification: Uncertain significance. Last evaluated: 2024-11-26. Review status: criteria provided, single submitter. Criteria: Ambry Variant Classification Scheme 2023. Collection method: clinical testing. Allele origin: germline.

NM_145262.4(GLYCTK):c.217C>T (p.Arg73Trp)

Gene: GLYCTK (glycerate kinase; plus strand). Cytogenetic location: 3p21.2.
Variant type: single nucleotide variant.
Coding change: c.217C>T on transcript NM_145262.4 (MANE Select); coding-DNA position 217, C replaced by T.
Protein change: p.Arg73Trp; replaces arginine 73 with tryptophan.
Molecular consequence: missense variant. On other transcripts: non-coding transcript variant (3).
Genome position (GRCh38, 1-based): chr3:52,290,559, C>T. VCF-style: chr3-52290559-C-T. GRCh37 (hg19) VCF-style: chr3-52324575-C-T.
Other names: c.217C>T, p.Arg73Trp (NM_001144951.2); c.217C>T (NM_145262.3); short protein forms R73W.
Identifiers: ClinVar variation 1924189 (VCV001924189.6), dbSNP rs779301460, ClinGen allele CA2432010.